The following is an entry in ClinVar:

ClinVar aggregate classification (germline): Uncertain significance. Review status: criteria provided, multiple submitters, no conflicts (2 of 4 stars). 3 submissions from 3 submitters: Uncertain significance (3). Last evaluated 2025-12-29.

Conditions:
Tyrosinase-positive oculocutaneous albinism (OCA2). Also called: ALBINISM II; Oculocutaneous albinism type 2; Albinism, oculocutaneous, type II. Identifiers: Orphanet 79432, MedGen C0268495, MONDO:0008746, OMIM 203200.
Melanoma, cutaneous malignant, susceptibility to, 5. Also called: Cutaneous malignant melanoma 5. Identifiers: Orphanet 618, MedGen C2751295, MONDO:0013133, OMIM 613099.
SKIN/HAIR/EYE PIGMENTATION, VARIATION IN, 2 (SHEP2). Also called: BLOND HAIR/FAIR SKIN; HAIR COLOR 2; RED HAIR COLOR. Identifiers: MedGen C1849452, OMIM 266300.
Increased analgesia from kappa-opioid receptor agonist, female-specific. Identifiers: MedGen C2751296, OMIM 613098.

Allele frequency attached by ClinVar (database versions not stated): ExAC 0.00031; gnomAD 0.00038 and 0.00040; gnomAD exomes 0.00041 and 0.00118; TOPMed 0.00047; ESP Exome Variant Server 0.00057.

Submissions (3):

Labcorp Genetics (formerly Invitae), Labcorp
Classification: Uncertain significance for Melanoma, cutaneous malignant, susceptibility to, 5. Last evaluated: 2025-12-29. Review status: criteria provided, single submitter. Criteria: Invitae Variant Classification Sherloc (09022015). Collection method: clinical testing. Allele origin: germline.
Comment: This sequence change replaces valine, which is neutral and non-polar, with methionine, which is neutral and non-polar, at codon 38 of the MC1R protein (p.Val38Met). This variant is present in population databases (rs200050206, gnomAD 0.08%), and has an allele count higher than expected for a pathogenic variant. This missense change has been observed in individual(s) with melanoma (PMID: 16982779, 19585506, 22095472, 23647022, 24982914). ClinVar contains an entry for this variant (Variation ID: 406211). Invitae Evidence Modeling of protein sequence and biophysical properties (such as structural, functional, and spatial information, amino acid conservation, physicochemical variation, residue mobility, and thermodynamic stability) indicates that this missense variant is not expected to disrupt MC1R protein function with a negative predictive value of 80%. Experimental studies have shown that this missense change affects MC1R function (PMID: 19338054, 21749400). In summary, the available evidence is currently insufficient to determine the role of this variant in disease. Therefore, it has been classified as a Variant of Uncertain Significance.

Fulgent Genetics
Classification: Uncertain significance for Tyrosinase-positive oculocutaneous albinism; SKIN/HAIR/EYE PIGMENTATION, VARIATION IN, 2; Increased analgesia from kappa-opioid receptor agonist, female-specific; Melanoma, cutaneous malignant, susceptibility to, 5. Last evaluated: 2022-05-26. Review status: criteria provided, single submitter. Criteria: ACMG Guidelines, 2015. Collection method: clinical testing. Allele origin: unknown.

Illumina Laboratory Services, Illumina
Classification: Uncertain significance for Melanoma, cutaneous malignant, susceptibility to, 5. Last evaluated: 2017-04-27. Review status: criteria provided, single submitter. Criteria: ICSL Variant Classification Criteria 13 December 2019. Collection method: clinical testing. Allele origin: germline.
Comment: This variant was observed as part of a predisposition screen in an ostensibly healthy population. A literature search was performed for the gene, cDNA change, and amino acid change (where applicable). Publications were found based on this search. However, the evidence from the literature, in combination with allele frequency data from public databases where available, was not sufficient to rule this variant in or out of causing disease. Therefore, this variant is classified as a variant of unknown significance.

Literature cited by the submitters: PubMed 16982779 (cited by Labcorp Genetics (formerly Invitae), Labcorp); PubMed 19585506 (cited by Labcorp Genetics (formerly Invitae), Labcorp); PubMed 22095472 (cited by Labcorp Genetics (formerly Invitae), Labcorp); PubMed 23647022 (cited by Labcorp Genetics (formerly Invitae), Labcorp); PubMed 24982914 (cited by Labcorp Genetics (formerly Invitae), Labcorp); PubMed 19338054 (cited by Labcorp Genetics (formerly Invitae), Labcorp); PubMed 21749400 (cited by Labcorp Genetics (formerly Invitae), Labcorp); PubMed 9032047 (cited by Illumina Laboratory Services, Illumina); PubMed 14961558 (cited by Illumina Laboratory Services, Illumina); PubMed 14975928 (cited by Illumina Laboratory Services, Illumina).

NM_002386.4(MC1R):c.112G>A (p.Val38Met)

Gene: MC1R (melanocortin 1 receptor; plus strand). Cytogenetic location: 16q24.3.
Variant type: single nucleotide variant.
Coding change: c.112G>A on transcript NM_002386.4 (MANE Select); coding-DNA position 112, G replaced by A.
Protein change: p.Val38Met; replaces valine 38 with methionine.
Molecular consequence: missense variant.
Genome position (GRCh38, 1-based): chr16:89,919,370, G>A. VCF-style: chr16-89919370-G-A. GRCh37 (hg19) VCF-style: chr16-89985778-G-A.
Other names: short protein forms V38M.
Identifiers: ClinVar variation 406211 (VCV000406211.15), dbSNP rs200050206, ClinGen allele CA8255488.
Genomic context (GRCh38, chr16:89,919,370, plus strand): 5'-CCCACAGCCATCCCCCAGCTGGGGCTGGCTGCCAACCAGACAGGAGCCCGGTGCCTGGAG[G>A]TGTCCATCTCTGACGGGCTCTTCCTCAGCCTGGGGCTGGTGAGCTTGGTGGAGAACGCGC-3'
Protein context (NP_002377.4, residues 28-48): ANQTGARCLE[Val38Met]SISDGLFLSL